The following is an entry in ClinVar:

NM_001302998.2(LIPI):c.134T>A (p.Leu45Gln)

Gene: LIPI (lipase I; minus strand). Cytogenetic location: 21q11.2.
Variant type: single nucleotide variant.
Coding change: c.134T>A on transcript NM_001302998.2 (MANE Select); coding-DNA position 134, T replaced by A.
Protein change: p.Leu45Gln; replaces leucine 45 with glutamine.
Molecular consequence: missense variant. On other transcripts: 5 prime UTR variant (1), intron variant (1).
Genome position (GRCh38, 1-based): chr21:14,189,332, A>T on the plus strand (T>A on the coding strand, the complement: LIPI is on the minus strand). VCF-style: chr21-14189332-A-T. GRCh37 (hg19) VCF-style: chr21-15561653-A-T.
Other names: c.134T>A, p.Leu45Gln (NM_001302999.2, NM_001303000.2, NM_001303001.2 and 1 more transcripts); c.-2T>A (NM_198996.4); c.47-7473T>A (NM_001379566.1); c.197T>A (NM_198996.2); short protein forms L45Q.
Identifiers: ClinVar variation 2116063 (VCV002116063.5), dbSNP rs928021878, ClinGen allele CA317647662.

ClinVar aggregate classification (germline): Uncertain significance. Review status: criteria provided, multiple submitters, no conflicts (2 of 4 stars). 2 submissions from 2 submitters: Uncertain significance (2). Last evaluated 2024-11-20.

Allele frequency attached by ClinVar (database versions not stated): gnomAD 0.00002; TOPMed 0.00003.
gnomAD v4.1: 4 of 1,613,102 alleles (0.00025%); highest among the groups gnomAD compares: African/African-American, 0.0053%; no homozygotes.

Submissions (2):

Ambry Genetics
Classification: Uncertain significance. Last evaluated: 2024-11-20. Review status: criteria provided, single submitter. Criteria: Ambry Variant Classification Scheme 2023. Collection method: clinical testing. Allele origin: germline.

Labcorp Genetics (formerly Invitae), Labcorp
Classification: Uncertain significance. Last evaluated: 2022-09-10. Review status: criteria provided, single submitter. Criteria: Invitae Variant Classification Sherloc (09022015). Collection method: clinical testing. Allele origin: germline.
Comment: In summary, the available evidence is currently insufficient to determine the role of this variant in disease. Therefore, it has been classified as a Variant of Uncertain Significance. Algorithms developed to predict the effect of missense changes on protein structure and function are either unavailable or do not agree on the potential impact of this missense change (SIFT: "Deleterious"; PolyPhen-2: "Probably Damaging"; Align-GVGD: "Class C0"). This variant has not been reported in the literature in individuals affected with LIPI-related conditions. This variant is present in population databases (no rsID available, gnomAD 0.01%). This sequence change replaces leucine, which is neutral and non-polar, with glutamine, which is neutral and polar, at codon 66 of the LIPI protein (p.Leu66Gln).